The following is an entry in ClinVar:

NM_015474.4(SAMHD1):c.434G>A (p.Arg145Gln)

Gene: SAMHD1 (SAM and HD domain containing deoxynucleoside triphosphate triphosphohydrolase 1; minus strand). Cytogenetic location: 20q11.23.
Variant type: single nucleotide variant.
Coding change: c.434G>A on transcript NM_015474.4 (MANE Select); coding-DNA position 434, G replaced by A.
Protein change: p.Arg145Gln; replaces arginine 145 with glutamine.
Molecular consequence: missense variant.
Genome position (GRCh38, 1-based): chr20:36,935,104, C>T on the plus strand (G>A on the coding strand, the complement: SAMHD1 is on the minus strand). VCF-style: chr20-36935104-C-T. GRCh37 (hg19) VCF-style: chr20-35563507-C-T.
Other names: c.434G>A, p.Arg145Gln (NM_001363729.2, NM_001363733.2); short protein forms R145Q.
Identifiers: ClinVar variation 126412 (VCV000126412.9), dbSNP rs515726145, ClinGen allele CA345523.

ClinVar aggregate classification (germline): Conflicting classifications of pathogenicity. Review status: criteria provided, conflicting classifications (1 of 4 stars). 4 submissions from 4 submitters: Likely pathogenic (1); Uncertain significance (2). 1 of the submissions does not count toward it. Last evaluated 2025-04-18.

Conditions:
Aicardi-Goutieres syndrome 5. Identifiers: Orphanet 51, MedGen C2749659, MONDO:0013059, OMIM 612952.

Allele frequency attached by ClinVar (database versions not stated): gnomAD exomes below 0.00001.
gnomAD v4.1: 10 of 1,613,948 alleles (0.00062%); highest among the groups gnomAD compares: Middle Eastern, 0.016%; no homozygotes.

Submissions (4):

Women's Health and Genetics/Laboratory Corporation of America, LabCorp
Classification: Uncertain significance. Last evaluated: 2025-04-18. Review status: criteria provided, single submitter. Criteria: LabCorp Variant Classification Summary - May 2015. Collection method: clinical testing. Allele origin: germline.
Comment: Variant summary: SAMHD1 c.434G>A (p.Arg145Gln) results in a conservative amino acid change in the encoded protein sequence. Four of five in-silico tools predict a damaging effect of the variant on protein function. The variant allele was found at a frequency of 4e-06 in 251470 control chromosomes (gnomAD). The available data on variant occurrences in the general population are insufficient to allow any conclusion about variant significance. c.434G>A has been observed in an individual affected with Aicardi Goutieres Syndrome (Rice_2009). These data do not allow any conclusion about variant significance. Publications report experimental evidence evaluating an impact on protein function, finding that the variant results in changes in cellular localization and a loss of oligomerization (Gonvalves_2012, White_2017). However, this does not allow convincing conclusions about the variant effect. ClinVar contains an entry for this variant (Variation ID: 126412). Based on the evidence outlined above, the variant was classified as uncertain significance.

Institute of Human Genetics, FAU Erlangen, Friedrich-Alexander-Universität Erlangen-Nürnberg
Classification: Likely pathogenic. Last evaluated: 2023-11-14. Review status: criteria provided, single submitter. Criteria: Hauer et al. (Genet Med. 2018). Collection method: clinical testing. Allele origin: germline. Inheritance: Unknown mechanism. Affected: yes. Observed: 1 variant allele.
Comment: This variant has been identified by standard clinical testing. Selected ACMG criteria: Likely pathogenic (V):PP3;PP2;PM5;PM2

Labcorp Genetics (formerly Invitae), Labcorp
Classification: Uncertain significance for Aicardi-Goutieres syndrome 5. Last evaluated: 2022-05-24. Review status: criteria provided, single submitter. Criteria: Invitae Variant Classification Sherloc (09022015). Collection method: clinical testing. Allele origin: germline.
Comment: This sequence change replaces arginine, which is basic and polar, with glutamine, which is neutral and polar, at codon 145 of the SAMHD1 protein (p.Arg145Gln). This variant is present in population databases (rs515726145, gnomAD 0.003%). This missense change has been observed in individual(s) with Aicardi-Goutieres syndrome (PMID: 19525956). In at least one individual the data is consistent with being in trans (on the opposite chromosome) from a pathogenic variant. ClinVar contains an entry for this variant (Variation ID: 126412). Algorithms developed to predict the effect of missense changes on protein structure and function are either unavailable or do not agree on the potential impact of this missense change (SIFT: "Deleterious"; PolyPhen-2: "Probably Damaging"; Align-GVGD: "Class C0"). Experimental studies have shown that this missense change affects SAMHD1 function (PMID: 22461318, 28229507). In summary, the available evidence is currently insufficient to determine the role of this variant in disease. Therefore, it has been classified as a Variant of Uncertain Significance.

GeneReviews
No classification provided. Condition: Aicardi-Goutieres syndrome 5. Review status: no classification provided. Collection method: literature only. Allele origin: germline. Affected: yes. Not counted in ClinVar's aggregate classification.

Literature cited by the submitters: PubMed 22461318 (cited by Women's Health and Genetics/Laboratory Corporation of America, LabCorp and Labcorp Genetics (formerly Invitae), Labcorp); PubMed 28229507 (cited by Women's Health and Genetics/Laboratory Corporation of America, LabCorp and Labcorp Genetics (formerly Invitae), Labcorp); PubMed 19525956 (cited by Women's Health and Genetics/Laboratory Corporation of America, LabCorp and Labcorp Genetics (formerly Invitae), Labcorp); NCBI Bookshelf NBK1475 (cited by GeneReviews).